The following is an entry in ClinVar:

ClinVar aggregate classification (germline): Conflicting classifications of pathogenicity. Review status: criteria provided, conflicting classifications (1 of 4 stars). 3 submissions from 3 submitters: Uncertain significance (2); Likely benign (1). Last evaluated 2022-10-25.

Conditions:
Early-infantile DEE. Also called: Early infantile epileptic encephalopathy; Early infantile epileptic encephalopathy with suppression bursts; Ohtahara syndrome. Identifiers: Orphanet 1934, MedGen C0393706, MONDO:0800491.
Inborn genetic diseases. Identifiers: MedGen C0950123, MeSH D030342.
Developmental and epileptic encephalopathy, 5 (DEE5). Identifiers: Orphanet 3451, MedGen C3150731, MONDO:0013277, OMIM 613477.

Allele frequency attached by ClinVar (database versions not stated): gnomAD exomes below 0.00001; TOPMed below 0.00001; gnomAD 0.00002.
gnomAD v4.1: 7 of 1,613,934 alleles (0.00043%); highest among the groups gnomAD compares: Non-Finnish European, 0.00051%; no homozygotes.

Submissions (3):

Labcorp Genetics (formerly Invitae), Labcorp
Classification: Uncertain significance for Early-infantile DEE. Last evaluated: 2022-10-25. Review status: criteria provided, single submitter. Criteria: Invitae Variant Classification Sherloc (09022015). Collection method: clinical testing. Allele origin: germline.
Comment: Advanced modeling of protein sequence and biophysical properties (such as structural, functional, and spatial information, amino acid conservation, physicochemical variation, residue mobility, and thermodynamic stability) has been performed at Invitae for this missense variant, however the output from this modeling did not meet the statistical confidence thresholds required to predict the impact of this variant on SPTAN1 protein function. In summary, the available evidence is currently insufficient to determine the role of this variant in disease. Therefore, it has been classified as a Variant of Uncertain Significance. This variant has not been reported in the literature in individuals affected with SPTAN1-related conditions. ClinVar contains an entry for this variant (Variation ID: 976120). This variant is present in population databases (no rsID available, gnomAD 0.01%). This sequence change replaces glutamic acid, which is acidic and polar, with lysine, which is basic and polar, at codon 2412 of the SPTAN1 protein (p.Glu2412Lys).

Ambry Genetics
Classification: Likely benign for Inborn genetic diseases. Last evaluated: 2019-08-30. Review status: criteria provided, single submitter. Criteria: Ambry Variant Classification Scheme 2023. Collection method: clinical testing. Allele origin: germline.

Institute of Human Genetics, University of Leipzig Medical Center
Classification: Uncertain significance for Developmental and epileptic encephalopathy, 5. Last evaluated: 2017-07-25. Review status: criteria provided, single submitter. Criteria: ACMG Guidelines, 2015. Collection method: clinical testing. Allele origin: germline. Affected: yes. Observed: 1 variant allele.

NM_001130438.3(SPTAN1):c.7234G>A (p.Glu2412Lys)

Gene: SPTAN1 (spectrin alpha, non-erythrocytic 1; plus strand). Cytogenetic location: 9q34.11.
Variant type: single nucleotide variant.
Coding change: c.7234G>A on transcript NM_001130438.3 (MANE Select); coding-DNA position 7234, G replaced by A.
Protein change: p.Glu2412Lys; replaces glutamic acid 2412 with lysine.
Molecular consequence: missense variant.
Genome position (GRCh38, 1-based): chr9:128,632,881, G>A. VCF-style: chr9-128632881-G-A. GRCh37 (hg19) VCF-style: chr9-131395160-G-A.
Other names: c.7159G>A, p.Glu2387Lys (NM_001195532.2); c.7297G>A, p.Glu2433Lys (NM_001363759.2); c.7174G>A, p.Glu2392Lys (NM_001363765.2, NM_001375314.2); c.7321G>A, p.Glu2441Lys (NM_001375310.1); c.7234G>A, p.Glu2412Lys (NM_001375311.2); c.7270G>A, p.Glu2424Lys (NM_001375312.2); c.7216G>A, p.Glu2406Lys (NM_001375313.1); c.7333G>A, p.Glu2445Lys (NM_001375318.1); and 1 more; short protein forms E2387K, E2392K, E2406K, E2407K, E2412K, E2424K, E2433K, E2441K.
Identifiers: ClinVar variation 976120 (VCV000976120.8), dbSNP rs1336849921, ClinGen allele CA375102258.